The following is an entry in ClinVar:

NM_022114.4(PRDM16):c.2870G>A (p.Gly957Glu)

Gene: PRDM16 (PR/SET domain 16; plus strand). Cytogenetic location: 1p36.32.
Variant type: single nucleotide variant.
Coding change: c.2870G>A on transcript NM_022114.4 (MANE Select); coding-DNA position 2870, G replaced by A.
Protein change: p.Gly957Glu; replaces glycine 957 with glutamic acid.
Molecular consequence: missense variant.
Genome position (GRCh38, 1-based): chr1:3,418,675, G>A. VCF-style: chr1-3418675-G-A. GRCh37 (hg19) VCF-style: chr1-3335239-G-A.
Other names: c.2870G>A, p.Gly957Glu (NM_199454.3); short protein forms G957E.
Identifiers: ClinVar variation 2833894 (VCV002833894.3), dbSNP rs2523914868, ClinGen allele CA338001691.

ClinVar aggregate classification (germline): Uncertain significance (1 of 4 stars; one submission).

Conditions:
Left ventricular noncompaction 8 (LVNC8). Identifiers: Orphanet 154, Orphanet 54260, MedGen C3809288, MONDO:0014152, OMIM 615373.

Submission:

Labcorp Genetics (formerly Invitae), Labcorp
Classification: Uncertain significance for Left ventricular noncompaction 8. Last evaluated: 2023-02-02. Review status: criteria provided, single submitter. Criteria: Invitae Variant Classification Sherloc (09022015). Collection method: clinical testing. Allele origin: germline.
Comment: This variant has not been reported in the literature in individuals affected with PRDM16-related conditions. This sequence change replaces glycine, which is neutral and non-polar, with glutamic acid, which is acidic and polar, at codon 957 of the PRDM16 protein (p.Gly957Glu). This variant is not present in population databases (gnomAD no frequency). Algorithms developed to predict the effect of missense changes on protein structure and function (SIFT, PolyPhen-2, Align-GVGD) all suggest that this variant is likely to be disruptive. In summary, the available evidence is currently insufficient to determine the role of this variant in disease. Therefore, it has been classified as a Variant of Uncertain Significance.